The following is an entry in ClinVar:

ClinVar aggregate classification (germline): Uncertain significance. Review status: criteria provided, multiple submitters, no conflicts (2 of 4 stars). 2 submissions from 2 submitters: Uncertain significance (2). Last evaluated 2026-04-14.

Conditions:
AP1B1-related disorder. Also called: AP1B1-related condition.
Inborn genetic diseases. Identifiers: MedGen C0950123, MeSH D030342.

gnomAD v4.1: 77 of 1,613,206 alleles (0.0048%); highest among the groups gnomAD compares: Admixed American, 0.093%; no homozygotes.

Submissions (2):

PreventionGenetics, part of Exact Sciences
Classification: Uncertain significance for AP1B1-related condition. Last evaluated: 2026-04-14. Review status: criteria provided, single submitter. Criteria: ACMG Guidelines, 2015. Collection method: clinical testing. Allele origin: germline.
Comment: The AP1B1 c.2765C>T variant is predicted to result in the amino acid substitution p.Thr922Met. To our knowledge, this variant has not been reported in the literature. This variant is reported in 0.068% of alleles in individuals of Latino descent in gnomAD. Although we suspect that this variant may be benign, at this time, the clinical significance of this variant is uncertain due to the absence of conclusive functional and genetic evidence.

Ambry Genetics
Classification: Uncertain significance for Inborn genetic diseases. Last evaluated: 2025-08-03. Review status: criteria provided, single submitter. Criteria: Ambry Variant Classification Scheme 2023. Collection method: clinical testing. Allele origin: germline.

NM_001127.4(AP1B1):c.2765C>T (p.Thr922Met)

Gene: AP1B1 (adaptor related protein complex 1 subunit beta 1; minus strand). Cytogenetic location: 22q12.2.
Variant type: single nucleotide variant.
Coding change: c.2765C>T on transcript NM_001127.4 (MANE Select); coding-DNA position 2765, C replaced by T.
Protein change: p.Thr922Met; replaces threonine 922 with methionine.
Molecular consequence: missense variant.
Genome position (GRCh38, 1-based): chr22:29,330,379, G>A on the plus strand (C>T on the coding strand, the complement: AP1B1 is on the minus strand). VCF-style: chr22-29330379-G-A. GRCh37 (hg19) VCF-style: chr22-29726368-G-A.
Other names: c.2684C>T, p.Thr895Met (NM_001166019.2); c.2765C>T, p.Thr922Met (NM_001378562.1); c.2744C>T, p.Thr915Met (NM_001378563.1, NM_145730.3); c.2594C>T, p.Thr865Met (NM_001378564.1); c.2573C>T, p.Thr858Met (NM_001378565.1); c.2558C>T, p.Thr853Met (NM_001378566.1); short protein forms T853M, T865M, T895M, T915M, T922M, T858M.
Identifiers: ClinVar variation 4114121 (VCV004114121.2).